The following is an entry in ClinVar:

NM_000553.6(WRN):c.2120G>A (p.Ser707Asn)

Gene: WRN (WRN RecQ like helicase; plus strand). Cytogenetic location: 8p12.
Variant type: single nucleotide variant.
Coding change: c.2120G>A on transcript NM_000553.6 (MANE Select); coding-DNA position 2120, G replaced by A.
Protein change: p.Ser707Asn; replaces serine 707 with asparagine.
Molecular consequence: missense variant.
Genome position (GRCh38, 1-based): chr8:31,111,646, G>A. VCF-style: chr8-31111646-G-A. GRCh37 (hg19) VCF-style: chr8-30969162-G-A.
Other names: short protein forms S707N.
Identifiers: ClinVar variation 948677 (VCV000948677.1), dbSNP rs1287177952, ClinGen allele CA370912456.

ClinVar aggregate classification (germline): Uncertain significance (1 of 4 stars; one submission).

Conditions:
Werner syndrome (WRN). Identifiers: Orphanet 902, MedGen C0043119, MONDO:0010196, OMIM 277700.

Allele frequency attached by ClinVar (database versions not stated): gnomAD exomes below 0.00001.
gnomAD v4.1: 2 of 1,614,062 alleles (0.00012%); highest among the groups gnomAD compares: Non-Finnish European, 0.00017%; no homozygotes.

Submission:

Labcorp Genetics (formerly Invitae), Labcorp
Classification: Uncertain significance for Werner syndrome. Last evaluated: 2019-07-22. Review status: criteria provided, single submitter. Criteria: Invitae Variant Classification Sherloc (09022015). Collection method: clinical testing. Allele origin: germline.
Comment: This sequence change replaces serine with asparagine at codon 707 of the WRN protein (p.Ser707Asn). The serine residue is highly conserved and there is a small physicochemical difference between serine and asparagine. This variant is not present in population databases (ExAC no frequency). This variant has not been reported in the literature in individuals with WRN-related conditions. Algorithms developed to predict the effect of missense changes on protein structure and function are either unavailable or do not agree on the potential impact of this missense change (SIFT: "Deleterious"; PolyPhen-2: "Possibly Damaging"; Align-GVGD: "Class C0"). In summary, the available evidence is currently insufficient to determine the role of this variant in disease. Therefore, it has been classified as a Variant of Uncertain Significance.